The following is an entry in ClinVar:

NM_001083601.3(NAA60):c.354A>G (p.Glu118=)

Gene: NAA60 (N-alpha-acetyltransferase 60, NatF catalytic subunit; plus strand). Cytogenetic location: 16p13.3.
Variant type: single nucleotide variant.
Coding change: c.354A>G on transcript NM_001083601.3 (MANE Select); coding-DNA position 354, A replaced by G.
Protein change: p.Glu118=; no amino-acid change (glutamic acid 118 retained).
Molecular consequence: synonymous variant. On other transcripts: intron variant (4).
Genome position (GRCh38, 1-based): chr16:3,483,379, A>G. VCF-style: chr16-3483379-A-G. GRCh37 (hg19) VCF-style: chr16-3533379-A-G.
Other names: c.354A>G, p.Glu118= (NM_001083600.3, NM_024845.4); c.375A>G, p.Glu125= (NM_001317093.1); c.159A>G, p.Glu53= (NM_001317095.2); c.337+781A>G (NM_001317096.2, NM_001317097.2, NM_001317098.2); c.241-1312A>G (NM_001317094.2).
Identifiers: ClinVar variation 4083730 (VCV004083730.8).

ClinVar aggregate classification (germline): Likely benign (1 of 4 stars; one submission).

gnomAD v4.1: 5,228 of 1,611,614 alleles (0.32%); highest among the groups gnomAD compares: Non-Finnish European, 0.39%; 13 homozygotes.

Submission:

CeGaT Center for Human Genetics Tuebingen
Classification: Likely benign. Last evaluated: 2026-09-01. Review status: criteria provided, single submitter. Criteria: CeGaT Center For Human Genetics Tuebingen Variant Classification Criteria Version 2. Collection method: clinical testing. Allele origin: germline. Affected: yes. Observed: 6 variant alleles.
Comment: NAA60: BP4, BP7